The following is an entry in ClinVar:

ClinVar aggregate classification (germline): Pathogenic (1 of 4 stars; one submission).

Conditions:
Nephronophthisis 16 (NPHP16). Identifiers: Orphanet 655, MedGen C3809320, MONDO:0014158, OMIM 615382.

Submission:

Precision Medicine Center, Zhengzhou University
Classification: Pathogenic for Nephronophthisis 16. Last evaluated: 2023-12-01. Review status: criteria provided, single submitter. Criteria: ACMG Guidelines, 2015. Collection method: clinical testing. Allele origin: maternal. Affected: yes.
Comment: PVS1,PM2_p,PM3

Literature cited by the submitters: PubMed 30180410.

NM_173551.5(ANKS6):c.651dup (p.Asn218fs)

Gene: ANKS6 (ankyrin repeat and sterile alpha motif domain containing 6; minus strand). Cytogenetic location: 9q22.33.
Variant type: Duplication.
Coding change: c.651dup on transcript NM_173551.5 (MANE Select); coding-DNA position 651, one base duplicated (C; older notation c.651dupC).
Protein change: p.Asn218fs; shifts the reading frame from asparagine 218.
Molecular consequence: frameshift variant.
Genome position (GRCh38, 1-based): chr9:98,790,315, G duplicated on the plus strand (C on the coding strand, the reverse complement: ANKS6 is on the minus strand); the first of 4 consecutive G bases (chr9:98,790,315-98,790,318); duplicating any one gives the same sequence. VCF-style (leftmost placement, unchanged base first): chr9-98790314-T-TG. GRCh37 (hg19) VCF-style: chr9-101552596-T-TG.
Other names: c.651dupC (NM_173551.5); short protein forms N218fs.
Identifiers: ClinVar variation 2681749 (VCV002681749.2), dbSNP rs2490423643.